The following is an entry in ClinVar:

ClinVar aggregate classification (germline): Pathogenic (1 of 4 stars; one submission).

Conditions:
Mucopolysaccharidosis, MPS-II (MPS2). Also called: Hunter Syndrome; IDURONATE 2-SULFATASE DEFICIENCY; Mucopolysaccharidosis Type II; Mucopolysaccharidosis type 2; Attenuated MPS (subtype; formerly known as mild MPS II); Severe MPS II. Identifiers: Orphanet 580, Orphanet 79388, MedGen C0026705, MONDO:0010674, OMIM 309900.

Submission:

Laboratory of Diagnosis and Therapy of Lysosomal Disorders, University of Padova
Classification: Pathogenic for Mucopolysaccharidosis, MPS-II. Last evaluated: 2024-06-07. Review status: criteria provided, single submitter. Criteria: ACMG Guidelines, 2015. Collection method: literature only. Allele origin: germline. Affected: yes. Observed: 1 variant allele.
Comment: Null variant (PVS1_VeryStrong), Absent from controls (or at low frequency) in gnomAD database (PM2_Moderate), Patient’s phenotype or family history highly specific for the disease (PP4_Strong)

Classification method: ACMG Guidelines [PMID:25741868] with modifications

Literature cited by the submitters: PubMed 22976768.

NM_000202.8(IDS):c.495T>G (p.Tyr165Ter)

Genes: IDS (iduronate 2-sulfatase; minus strand), LOC106050102 (IDS recombination region; plus strand). Cytogenetic location: Xq28.
Variant type: single nucleotide variant.
Coding change: c.495T>G on transcript NM_000202.8 (MANE Select); coding-DNA position 495, T replaced by G.
Protein change: p.Tyr165Ter; replaces tyrosine 165 with a stop codon.
Molecular consequence: nonsense. On other transcripts: non-coding transcript variant (1).
Genome position (GRCh38, 1-based): chrX:149,500,961, A>C on the plus strand (T>G on the coding strand, the complement: IDS is on the minus strand). VCF-style: chrX-149500961-A-C. GRCh37 (hg19) VCF-style: chrX-148582492-A-C.
Other names: c.225T>G, p.Tyr75Ter (NM_001166550.4); c.495T>G, p.Tyr165Ter (NM_006123.5); short protein forms Y165*, Y75*.
Identifiers: ClinVar variation 3255753 (VCV003255753.2).